The following is an entry in ClinVar:

NM_005138.3(SCO2):c.436_441dup (p.Val147_Val148insGlnVal)

Genes: NCAPH2 (non-SMC condensin II complex subunit H2; plus strand), SCO2 (synthesis of cytochrome C oxidase 2; minus strand). Cytogenetic location: 22q13.33.
Variant type: Duplication.
Coding change: c.436_441dup on transcript NM_005138.3 (MANE Select); coding-DNA positions 436 to 441, 6 bases duplicated (CAGGTG; older notation c.436_441dupCAGGTG).
Protein change: p.Val147_Val148insGlnVal.
Molecular consequence: inframe insertion. On other transcripts: 3 prime UTR variant (2).
Genome position (GRCh38, 1-based): chr22:50,523,971-50,523,976, CACCTG duplicated on the plus strand (CAGGTG on the coding strand, the reverse complement: SCO2 is on the minus strand); duplicating any 6 consecutive bases within chr22:50,523,971-50,523,980 gives the same sequence; the c. name uses the placement nearest the transcript's 3' end. VCF-style (leftmost placement, unchanged base first): chr22-50523970-C-CCACCTG. GRCh37 (hg19) VCF-style: chr22-50962399-C-CCACCTG.
Other names: c.*600_*605dup (NM_001185011.2, NM_152299.4); c.436_441dup, p.Val147_Val148insGlnVal (NM_001169109.2, NM_001169110.1, NM_001169111.2).
Identifiers: ClinVar variation 5004839 (VCV005004839.1).

ClinVar aggregate classification (germline): Uncertain significance (1 of 4 stars; one submission).

Conditions:
Cardioencephalomyopathy, fatal infantile, due to cytochrome c oxidase deficiency 1 (MC4DN2). Also called: CYTOCHROME c OXIDASE DEFICIENCY, FATAL INFANTILE, WITH CARDIOENCEPHALOMYOPATHY; MITOCHONDRIAL COMPLEX IV DEFICIENCY, NUCLEAR TYPE 2. Identifiers: Orphanet 1561, MedGen C5399977, MONDO:0011451, OMIM 604377.

Submission:

Myriad Genetics, Inc.
Classification: Uncertain significance for Cardioencephalomyopathy, fatal infantile, due to cytochrome c oxidase deficiency 1. Last evaluated: 2026-08-11. Review status: criteria provided, single submitter. Criteria: Myriad Autosomal Dominant, Autosomal Recessive and X-Linked Classification Criteria (2023). Collection method: clinical testing. Allele origin: unknown.
Comment: NM_005138.2(SCO2):c.436_441dup6(Q146_V147dup) is an in-frame duplication classified as a variant of uncertain significance in the context of mitochondrial complex IV deficiency, SCO2-related. Q146_V147dup has not been observed in cases with relevant disease. Relevant functional assessments of this variant are not available in the literature. Q146_V147dup has been observed in referenced population frequency databases. In summary, there is insufficient evidence to classify NM_005138.2(SCO2):c.436_441dup6(Q146_V147dup) as pathogenic or benign. Please note: this variant was assessed in the context of healthy population screening.